The following is an entry in ClinVar:

ClinVar aggregate classification (germline): Conflicting classifications of pathogenicity. Review status: criteria provided, conflicting classifications (1 of 4 stars). 3 submissions from 3 submitters: Likely pathogenic (1); Uncertain significance (1). 1 of the submissions does not count toward it. Last evaluated 2024-03-26.

Conditions:
Cornea plana 2 (CNA2). Also called: CORNEA PLANA 2, AUTOSOMAL RECESSIVE. Identifiers: Orphanet 53691, MedGen C1857574, MONDO:0009014, OMIM 217300.

Submissions (3):

Genomic Medicine Center of Excellence, King Faisal Specialist Hospital and Research Centre
Classification: Uncertain significance for Cornea plana 2. Last evaluated: 2024-03-26. Review status: criteria provided, single submitter. Criteria: ACMG Guidelines, 2015. Collection method: clinical testing. Allele origin: germline.

Revvity Omics, Revvity
Classification: Likely pathogenic for Cornea plana 2. Last evaluated: 2020-12-10. Review status: criteria provided, single submitter. Criteria: ACMG Guidelines, 2015. Collection method: clinical testing. Allele origin: germline.

Juha Muilu Group; Institute for Molecular Medicine Finland (FIMM)
Classification: Likely pathogenic for Cornea plana 2. Review status: no assertion criteria provided. Collection method: not provided. Allele origin: unknown. Not counted in ClinVar's aggregate classification.
Comment: FinDis database variant: This variant was not found or characterized by our laboratory, data were collected from public sources: see reference
ClinVar note: Converted during submission from probable-pathogenic to Likely pathogenic.

NM_007035.4(KERA):c.1026del (p.Cys343fs)

Gene: KERA (keratocan; minus strand). Cytogenetic location: 12q21.33.
Variant type: Deletion.
Coding change: c.1026del on transcript NM_007035.4 (MANE Select); coding-DNA position 1026, one base deleted (C; older notation c.1026delC).
Protein change: p.Cys343fs; shifts the reading frame from cysteine 343.
Molecular consequence: frameshift variant.
Genome position (GRCh38, 1-based): chr12:91,051,379, G deleted on the plus strand (C on the coding strand, the reverse complement: KERA is on the minus strand); the first of 2 consecutive G bases (chr12:91,051,379-91,051,380); deleting either gives the same sequence. VCF-style (leftmost placement, unchanged base first): chr12-91051378-AG-A. GRCh37 (hg19) VCF-style: chr12-91445155-AG-A.
Other names: c.1026delC (NM_007035.3); short protein forms C343fs.
Identifiers: ClinVar variation 56548 (VCV000056548.7), dbSNP rs386833984, ClinGen allele CA144355.